The following is an entry in ClinVar:

NM_015102.5(NPHP4):c.706C>T (p.Pro236Ser)

Gene: NPHP4 (nephrocystin 4; minus strand). Cytogenetic location: 1p36.31.
Variant type: single nucleotide variant.
Coding change: c.706C>T on transcript NM_015102.5 (MANE Select); coding-DNA position 706, C replaced by T.
Protein change: p.Pro236Ser; replaces proline 236 with serine.
Molecular consequence: missense variant. On other transcripts: 5 prime UTR variant (1), non-coding transcript variant (1), intron variant (1).
Genome position (GRCh38, 1-based): chr1:5,952,804, G>A on the plus strand (C>T on the coding strand, the complement: NPHP4 is on the minus strand). VCF-style: chr1-5952804-G-A. GRCh37 (hg19) VCF-style: chr1-6012864-G-A.
Other names: c.-661C>T (NM_001291594.2); c.-556-4553C>T (NM_001291593.2); c.706C>T (NM_015102.3); short protein forms P236S.
Identifiers: ClinVar variation 1381793 (VCV001381793.7), dbSNP rs1384084291, ClinGen allele CA338067040.

ClinVar aggregate classification (germline): Conflicting classifications of pathogenicity. Review status: criteria provided, conflicting classifications (1 of 4 stars). 3 submissions from 3 submitters: Uncertain significance (2); Likely benign (1). Last evaluated 2025-12-08.

Conditions:
Inborn genetic diseases. Identifiers: MedGen C0950123, MeSH D030342.
Senior-Loken syndrome 4 (SLSN4). Identifiers: Orphanet 3156, MedGen C1846979, MONDO:0011756, OMIM 606996.
Nephronophthisis 4 (NPHP4). Also called: NEPHRONOPHTHISIS 4, JUVENILE. Identifiers: Orphanet 655, MedGen C1847013, MONDO:0011752, OMIM 606966.
Nephronophthisis. Also called: Juvenile Nephronophthisis. Identifiers: Orphanet 655, MedGen C0687120, MONDO:0019005, HP:0000090.

Allele frequency attached by ClinVar (database versions not stated): gnomAD 0.00001; gnomAD exomes 0.00001 and 0.00002; TOPMed 0.00001.
gnomAD v4.1: 6 of 1,599,106 alleles (0.00038%); highest among the groups gnomAD compares: Admixed American, 0.0086%; no homozygotes.

Submissions (3):

Ambry Genetics
Classification: Likely benign for Inborn genetic diseases. Last evaluated: 2025-12-08. Review status: criteria provided, single submitter. Criteria: Ambry Variant Classification Scheme 2023. Collection method: clinical testing. Allele origin: germline.

Labcorp Genetics (formerly Invitae), Labcorp
Classification: Uncertain significance for Nephronophthisis. Last evaluated: 2024-10-29. Review status: criteria provided, single submitter. Criteria: Invitae Variant Classification Sherloc (09022015). Collection method: clinical testing. Allele origin: germline.
Comment: This sequence change replaces proline, which is neutral and non-polar, with serine, which is neutral and polar, at codon 236 of the NPHP4 protein (p.Pro236Ser). The frequency data for this variant in the population databases is considered unreliable, as metrics indicate poor data quality at this position in the gnomAD database. This variant has not been reported in the literature in individuals affected with NPHP4-related conditions. ClinVar contains an entry for this variant (Variation ID: 1381793). Invitae Evidence Modeling of protein sequence and biophysical properties (such as structural, functional, and spatial information, amino acid conservation, physicochemical variation, residue mobility, and thermodynamic stability) indicates that this missense variant is not expected to disrupt NPHP4 protein function with a negative predictive value of 80%. In summary, the available evidence is currently insufficient to determine the role of this variant in disease. Therefore, it has been classified as a Variant of Uncertain Significance.

Fulgent Genetics
Classification: Uncertain significance for Nephronophthisis 4; Senior-Loken syndrome 4. Last evaluated: 2024-03-06. Review status: criteria provided, single submitter. Criteria: ACMG Guidelines, 2015. Collection method: clinical testing. Allele origin: germline.